The following is an entry in ClinVar:

NC_000001.10:g.(?_19559098)_(19561766_?)del

Gene: EMC1 (ER membrane protein complex subunit 1; minus strand). Cytogenetic location: 1p36.13.
Variant type: Deletion.
Identifiers: ClinVar variation 1459220 (VCV001459220.7).

ClinVar aggregate classification (germline): Pathogenic (1 of 4 stars; one submission).

Submission:

Labcorp Genetics (formerly Invitae), Labcorp
Classification: Pathogenic. Last evaluated: 2022-02-04. Review status: criteria provided, single submitter. Criteria: Invitae Variant Classification Sherloc (09022015). Collection method: clinical testing. Allele origin: germline.
Comment: For these reasons, this variant has been classified as Pathogenic. This variant has not been reported in the literature in individuals affected with EMC1-related conditions. This variant is a gross deletion of the genomic region encompassing exon(s) 13-15 of the EMC1 gene. This deletion is out-of-frame, and is expected to create a premature termination codon and result in an absent or disrupted protein product. Loss-of-function variants in EMC1 are known to be pathogenic (PMID: 26572623, 26942288, 29271071).

Literature cited by the submitters: PubMed 26572623; PubMed 26942288; PubMed 29271071.